The following is an entry in ClinVar:

ClinVar aggregate classification (germline): Uncertain significance. Review status: criteria provided, multiple submitters, no conflicts (2 of 4 stars). 9 submissions from 9 submitters: Uncertain significance (8). 1 of the submissions does not count toward it. Last evaluated 2025-12-13.

Conditions:
Familial cancer of breast. Also called: hereditary breast carcinoma; BREAST CANCER, FAMILIAL; Hereditary breast cancer. Identifiers: Orphanet 227535, MedGen C0346153, MONDO:0016419, OMIM 114480. Disease mechanism: loss of function.
Ataxia-telangiectasia syndrome (AT). Also called: Ataxia telangiectasia (A-T); LOUIS-BAR SYNDROME; Cerebello-oculocutaneous telangiectasia; Immunodeficiency with ataxia telangiectasia; ATAXIA-TELANGIECTASIA, COMPLEMENTATION GROUP A; ATAXIA-TELANGIECTASIA, FRESNO VARIANT. Identifiers: Orphanet 100, MedGen C0004135, MONDO:0008840, OMIM 208900.
Hereditary cancer-predisposing syndrome. Also called: Tumor predisposition; Hereditary Cancer Syndrome; Hereditary neoplastic syndrome; Neoplastic Syndromes, Hereditary. Identifiers: Orphanet 140162, MedGen C0027672, MeSH D009386, MONDO:0015356.

Allele frequency attached by ClinVar (database versions not stated): gnomAD 0.00001; gnomAD exomes 0.00001; TOPMed 0.00002; ESP Exome Variant Server 0.00008.
gnomAD v4.1: 12 of 1,613,444 alleles (0.00074%); highest among the groups gnomAD compares: Admixed American, 0.0033%; no homozygotes.

Submissions (9):

Labcorp Genetics (formerly Invitae), Labcorp
Classification: Uncertain significance for Ataxia-telangiectasia syndrome. Last evaluated: 2025-12-13. Review status: criteria provided, single submitter. Criteria: Invitae Variant Classification Sherloc (09022015). Collection method: clinical testing. Allele origin: germline.
Comment: This sequence change replaces alanine, which is neutral and non-polar, with valine, which is neutral and non-polar, at codon 350 of the ATM protein (p.Ala350Val). This variant is present in population databases (rs375049090, gnomAD 0.006%). This missense change has been observed in individual(s) with breast cancer (PMID: 27553368, 31206626, 35264596, 35534704). ClinVar contains an entry for this variant (Variation ID: 236665). Invitae Evidence Modeling of protein sequence and biophysical properties (such as structural, functional, and spatial information, amino acid conservation, physicochemical variation, residue mobility, and thermodynamic stability) has been performed for this missense variant. However, the output from this modeling did not meet the statistical confidence thresholds required to predict the impact of this variant on ATM protein function. In summary, the available evidence is currently insufficient to determine the role of this variant in disease. Therefore, it has been classified as a Variant of Uncertain Significance.

Color Diagnostics, LLC DBA Color Health
Classification: Uncertain significance for Hereditary cancer-predisposing syndrome. Last evaluated: 2025-05-06. Review status: criteria provided, single submitter. Criteria: ACMG Guidelines, 2015. Collection method: clinical testing. Allele origin: germline.
Comment: This missense variant replaces alanine with valine at codon 350 of the ATM protein. Computational prediction suggests that this variant may not impact protein structure and function. To our knowledge, functional studies have not been reported for this variant. This variant has been reported in individuals with a personal and/or family history of breast cancer (PMID: 27553368, 31206626, 35264596, 35534704, 35957908). This variant has been identified in 2/251126 chromosomes in the general population by the Genome Aggregation Database (gnomAD). The available evidence is insufficient to determine the role of this variant in disease conclusively. Therefore, this variant is classified as a Variant of Uncertain Significance.

Women's Health and Genetics/Laboratory Corporation of America, LabCorp
Classification: Uncertain significance. Last evaluated: 2025-03-19. Review status: criteria provided, single submitter. Criteria: LabCorp Variant Classification Summary - May 2015. Collection method: clinical testing. Allele origin: germline.
Comment: Variant summary: ATM c.1049C>T (p.Ala350Val) results in a non-conservative amino acid change in the encoded protein sequence. Five of five in-silico tools predict a damaging effect of the variant on protein function. The variant allele was found at a frequency of 8e-06 in 251126 control chromosomes. The available data on variant occurrences in the general population are insufficient to allow any conclusion about variant significance. c.1049C>T has been reported in the literature in individuals affected with a personal or family history of Breast and/or Ovarian Cancer (Pinto_2016, Giboni_2022). These report(s) do not provide unequivocal conclusions about association of the variant with Breast Cancer. To our knowledge, no experimental evidence demonstrating an impact on protein function has been reported. The following publications have been ascertained in the context of this evaluation (PMID: 35957908, 27553368). ClinVar contains an entry for this variant (Variation ID: 236665). Based on the evidence outlined above, the variant was classified as uncertain significance.

Ambry Genetics
Classification: Uncertain significance for Hereditary cancer-predisposing syndrome. Last evaluated: 2024-01-18. Review status: criteria provided, single submitter. Criteria: Ambry Variant Classification Scheme 2023. Collection method: clinical testing. Allele origin: germline.
Comment: The p.A350V variant (also known as c.1049C>T), located in coding exon 7 of the ATM gene, results from a C to T substitution at nucleotide position 1049. The alanine at codon 350 is replaced by valine, an amino acid with similar properties. This alteration has been identified in individuals diagnosed with breast cancer (Pinto P et al. Breast Cancer Res Treat, 2016 Sep;159:245-56; Weitzel JN et al. Cancer, 2019 Aug;125:2829-2836; Guindalini RSC et al. Sci Rep, 2022 Mar;12:4190). This amino acid position is highly conserved in available vertebrate species. In addition, this alteration is predicted to be deleterious by in silico analysis. Based on the available evidence, the clinical significance of this alteration remains unclear.

Baylor Genetics
Classification: Uncertain significance for Familial cancer of breast. Last evaluated: 2024-01-02. Review status: criteria provided, single submitter. Criteria: ACMG Guidelines, 2015. Collection method: clinical testing. Allele origin: unknown.

Quest Diagnostics Nichols Institute San Juan Capistrano
Classification: Uncertain significance. Last evaluated: 2023-11-20. Review status: criteria provided, single submitter. Criteria: Quest Diagnostics criteria. Collection method: clinical testing. Allele origin: unknown.

Fulgent Genetics
Classification: Uncertain significance for Familial cancer of breast; Ataxia-telangiectasia syndrome. Last evaluated: 2021-07-30. Review status: criteria provided, single submitter. Criteria: ACMG Guidelines, 2015. Collection method: clinical testing. Allele origin: unknown.

Mendelics
Classification: Uncertain significance for Ataxia-telangiectasia syndrome. Last evaluated: 2018-07-02. Review status: criteria provided, single submitter. Criteria: Mendelics Assertion Criteria 2017. Collection method: clinical testing. Allele origin: unknown.

Natera, Inc.
Classification: Uncertain significance for Ataxia-telangiectasia. Last evaluated: 2021-06-19. Review status: no assertion criteria provided. Collection method: clinical testing. Allele origin: germline. Not counted in ClinVar's aggregate classification.

Literature cited by the submitters: PubMed 27553368 (cited by 5 submitters); PubMed 31206626 (cited by 4 submitters); PubMed 35264596 (cited by 3 submitters); PubMed 35534704 (cited by Labcorp Genetics (formerly Invitae), Labcorp and Color Diagnostics, LLC DBA Color Health); PubMed 35957908 (cited by Color Diagnostics, LLC DBA Color Health and Women's Health and Genetics/Laboratory Corporation of America, LabCorp); PubMed 15824150 (cited by Ambry Genetics).

NM_000051.4(ATM):c.1049C>T (p.Ala350Val)

Gene: ATM (ATM serine/threonine kinase; plus strand). Cytogenetic location: 11q22.3.
Variant type: single nucleotide variant.
Coding change: c.1049C>T on transcript NM_000051.4 (MANE Select); coding-DNA position 1049, C replaced by T.
Protein change: p.Ala350Val; replaces alanine 350 with valine.
Molecular consequence: missense variant.
Genome position (GRCh38, 1-based): chr11:108,247,111, C>T. VCF-style: chr11-108247111-C-T. GRCh37 (hg19) VCF-style: chr11-108117838-C-T.
Other names: c.1049C>T, p.Ala350Val (NM_001351834.2); short protein forms A350V.
Identifiers: ClinVar variation 236665 (VCV000236665.30), dbSNP rs375049090, ClinGen allele CA10582789.